The following is an entry in ClinVar:

ClinVar aggregate classification (germline): Likely benign. Review status: criteria provided, multiple submitters, no conflicts (2 of 4 stars). 2 submissions from 2 submitters: Likely benign (2). Last evaluated 2024-11-11.

Allele frequency attached by ClinVar (database versions not stated): 1000 Genomes Project 0.00080; 1000 Genomes Project 30x 0.00094; TOPMed 0.00230; gnomAD 0.00240; ESP Exome Variant Server 0.00344; gnomAD exomes 0.00387; ExAC 0.00597.
gnomAD v4.1: 4,859 of 1,325,622 alleles (0.37%); highest among the groups gnomAD compares: Non-Finnish European, 0.45%; 14 homozygotes.

Submissions (2):

Blueprint Genetics
Classification: Likely benign. Last evaluated: 2024-11-11. Review status: criteria provided, single submitter. Criteria: ACMG Guidelines, 2015. Collection method: clinical testing. Allele origin: germline.

CeGaT Center for Human Genetics Tuebingen
Classification: Likely benign. Last evaluated: 2023-02-01. Review status: criteria provided, single submitter. Criteria: CeGaT Center For Human Genetics Tuebingen Variant Classification Criteria Version 2. Collection method: clinical testing. Allele origin: germline. Affected: yes. Observed: 4 variant alleles.
Comment: HYDIN: BP4, BP7

NM_001270974.2(HYDIN):c.11373G>A (p.Gln3791=)

Gene: HYDIN (HYDIN axonemal central pair apparatus protein; minus strand). Cytogenetic location: 16q22.2.
Variant type: single nucleotide variant.
Coding change: c.11373G>A on transcript NM_001270974.2 (MANE Select); coding-DNA position 11373, G replaced by A.
Protein change: p.Gln3791=; no amino-acid change (glutamine 3791 retained).
Molecular consequence: synonymous variant.
Genome position (GRCh38, 1-based): chr16:70,866,267, C>T on the plus strand (G>A on the coding strand, the complement: HYDIN is on the minus strand). VCF-style: chr16-70866267-C-T. GRCh37 (hg19) VCF-style: chr16-70900170-C-T.
Identifiers: ClinVar variation 2646709 (VCV002646709.25), dbSNP rs199978951, ClinGen allele CA8149026.
Genomic context (GRCh38, chr16:70,866,267, plus strand): 5'-GCGCACATCTCTTGCTTGGCAATGGTATGAAGCGAAATCCACATTGGCACTGATTTGAAG[C>T]TGCAGTTCTTGGTAGTTTTCTTCTAGTACTGAGTGAGCAGGTTCCGGATCCGTCTCTATC-3'
Protein context (NP_001257903.1, residues 3781-3801): SVLEENYQEL[Gln3791=]LQISANVDFA